The following is an entry in ClinVar:

NM_006031.6(PCNT):c.9589C>G (p.Arg3197Gly)

Gene: PCNT (pericentrin; plus strand). Cytogenetic location: 21q22.3.
Variant type: single nucleotide variant.
Coding change: c.9589C>G on transcript NM_006031.6 (MANE Select); coding-DNA position 9589, C replaced by G.
Protein change: p.Arg3197Gly; replaces arginine 3197 with glycine.
Molecular consequence: missense variant.
Genome position (GRCh38, 1-based): chr21:46,441,050, C>G. VCF-style: chr21-46441050-C-G. GRCh37 (hg19) VCF-style: chr21-47860963-C-G.
Other names: c.8998C>G, p.Arg3000Gly (NM_001315529.2); short protein forms R3197G, R3000G.
Identifiers: ClinVar variation 5002000 (VCV005002000.1).

ClinVar aggregate classification (germline): Uncertain significance (1 of 4 stars; one submission).

Conditions:
PCNT-related disorder. Also called: PCNT-related condition.

gnomAD v4.1: 2 of 1,613,934 alleles (0.00012%); highest among the groups gnomAD compares: Admixed American, 0.0033%; no homozygotes.

Submission:

PreventionGenetics, part of Exact Sciences
Classification: Uncertain significance for PCNT-related condition. Last evaluated: 2026-07-27. Review status: criteria provided, single submitter. Criteria: ACMG Guidelines, 2015. Collection method: clinical testing. Allele origin: germline.
Comment: The PCNT c.9589C>G variant is predicted to result in the amino acid substitution p.Arg3197Gly. To our knowledge, this variant has not been reported in the literature. This variant is reported in 0.0029% of alleles in individuals of Latino descent in gnomAD. At this time, the clinical significance of this variant is uncertain due to the absence of conclusive functional and genetic evidence.